The following is an entry in ClinVar:

NM_006648.4(WNK2):c.5394G>T (p.Glu1798Asp)

Gene: WNK2 (WNK lysine deficient protein kinase 2; plus strand). Cytogenetic location: 9q22.31.
Variant type: single nucleotide variant.
Coding change: c.5394G>T on transcript NM_006648.4 (MANE Select); coding-DNA position 5394, G replaced by T.
Protein change: p.Glu1798Asp; replaces glutamic acid 1798 with aspartic acid.
Molecular consequence: missense variant.
Genome position (GRCh38, 1-based): chr9:93,292,859, G>T. VCF-style: chr9-93292859-G-T. GRCh37 (hg19) VCF-style: chr9-96055141-G-T.
Other names: c.5505G>T, p.Glu1835Asp (NM_001282394.3); short protein forms E1835D, E1798D.
Identifiers: ClinVar variation 4201581 (VCV004201581.1).

ClinVar aggregate classification (germline): Uncertain significance (1 of 4 stars; one submission).

gnomAD v4.1: 3 of 1,492,718 alleles (0.0002%); highest among the groups gnomAD compares: South Asian, 0.0039%; no homozygotes.

Submission:

Ambry Genetics
Classification: Uncertain significance. Last evaluated: 2025-06-30. Review status: criteria provided, single submitter. Criteria: Ambry Variant Classification Scheme 2023. Collection method: clinical testing. Allele origin: germline.
Comment: The p.E1798D variant (also known as c.5394G>T), located in coding exon 22 of the WNK2 gene, results from a G to T substitution at nucleotide position 5394. The glutamic acid at codon 1798 is replaced by aspartic acid, an amino acid with highly similar properties. This amino acid position is conserved. In addition, this alteration is predicted to be tolerated by in silico analysis. Based on the available evidence, the clinical significance of this variant remains unclear.